The following is an entry in ClinVar:

NM_000202.8(IDS):c.1046G>A (p.Ser349Asn)

Genes: IDS (iduronate 2-sulfatase; minus strand), LOC106050102 (IDS recombination region; plus strand). Cytogenetic location: Xq28.
Variant type: single nucleotide variant.
Coding change: c.1046G>A on transcript NM_000202.8 (MANE Select); coding-DNA position 1046, G replaced by A.
Protein change: p.Ser349Asn; replaces serine 349 with asparagine.
Molecular consequence: missense variant.
Genome position (GRCh38, 1-based): chrX:149,487,059, C>T on the plus strand (G>A on the coding strand, the complement: IDS is on the minus strand). VCF-style: chrX-149487059-C-T. GRCh37 (hg19) VCF-style: chrX-148568590-C-T.
Other names: c.776G>A, p.Ser259Asn (NM_001166550.4); c.1046G>A (NM_000202.5); short protein forms S349N, S259N.
Identifiers: ClinVar variation 422490 (VCV000422490.6), dbSNP rs138918423, ClinGen allele CA16621218.

ClinVar aggregate classification (germline): Conflicting classifications of pathogenicity. Review status: criteria provided, conflicting classifications (1 of 4 stars). 3 submissions from 3 submitters: Uncertain significance (2); Likely benign (1). Last evaluated 2025-02-17.

Conditions:
Inborn genetic diseases. Identifiers: MedGen C0950123, MeSH D030342.
Mucopolysaccharidosis, MPS-II (MPS2). Also called: IDS deficiency; Sulfoiduronate sulfatase deficiency; SIDS deficiency; Mucopolysaccharidosis type 2; IDURONATE 2-SULFATASE DEFICIENCY; Mucopolysaccharidosis Type II. Identifiers: Orphanet 580, Orphanet 79388, MedGen C0026705, MONDO:0010674, OMIM 309900.

Allele frequency attached by ClinVar (database versions not stated): gnomAD exomes 0.00001; TOPMed 0.00001; ESP Exome Variant Server 0.00009.

Submissions (3):

Labcorp Genetics (formerly Invitae), Labcorp
Classification: Uncertain significance for Mucopolysaccharidosis, MPS-II. Last evaluated: 2025-02-17. Review status: criteria provided, single submitter. Criteria: Invitae Variant Classification Sherloc (09022015). Collection method: clinical testing. Allele origin: germline.
Comment: This sequence change replaces serine, which is neutral and polar, with asparagine, which is neutral and polar, at codon 349 of the IDS protein (p.Ser349Asn). This variant is not present in population databases (gnomAD no frequency). This variant has not been reported in the literature in individuals affected with IDS-related conditions. ClinVar contains an entry for this variant (Variation ID: 422490). Invitae Evidence Modeling of protein sequence and biophysical properties (such as structural, functional, and spatial information, amino acid conservation, physicochemical variation, residue mobility, and thermodynamic stability) indicates that this missense variant is not expected to disrupt IDS protein function with a negative predictive value of 80%. This variant disrupts the p.Ser349 amino acid residue in IDS. Other variant(s) that disrupt this residue have been determined to be pathogenic (PMID: 9452044, 9501270, 17091340). This suggests that this residue is clinically significant, and that variants that disrupt this residue are likely to be disease-causing. In summary, the available evidence is currently insufficient to determine the role of this variant in disease. Therefore, it has been classified as a Variant of Uncertain Significance.

Ambry Genetics
Classification: Uncertain significance for Inborn genetic diseases. Last evaluated: 2024-11-21. Review status: criteria provided, single submitter. Criteria: Ambry Variant Classification Scheme 2023. Collection method: clinical testing. Allele origin: germline.

GeneDx
Classification: Likely benign. Last evaluated: 2018-09-04. Review status: criteria provided, single submitter. Criteria: GeneDx Variant Classification Process June 2021. Collection method: clinical testing. Allele origin: germline. Affected: yes.

Literature cited by the submitters: PubMed 9452044 (cited by Labcorp Genetics (formerly Invitae), Labcorp); PubMed 9501270 (cited by Labcorp Genetics (formerly Invitae), Labcorp); PubMed 17091340 (cited by Labcorp Genetics (formerly Invitae), Labcorp).